The following is an entry in ClinVar:

NM_000302.4(PLOD1):c.965T>A (p.Ile322Asn)

Gene: PLOD1 (procollagen-lysine,2-oxoglutarate 5-dioxygenase 1; plus strand). Cytogenetic location: 1p36.22.
Variant type: single nucleotide variant.
Coding change: c.965T>A on transcript NM_000302.4 (MANE Select); coding-DNA position 965, T replaced by A.
Protein change: p.Ile322Asn; replaces isoleucine 322 with asparagine.
Molecular consequence: missense variant.
Genome position (GRCh38, 1-based): chr1:11,958,637, T>A. VCF-style: chr1-11958637-T-A. GRCh37 (hg19) VCF-style: chr1-12018694-T-A.
Other names: c.1106T>A, p.Ile369Asn (NM_001316320.2); short protein forms I322N, I369N.
Identifiers: ClinVar variation 529350 (VCV000529350.9), dbSNP rs1553135172, ClinGen allele CA338435066.

ClinVar aggregate classification (germline): Uncertain significance (1 of 4 stars; one submission).

Conditions:
Ehlers-Danlos syndrome, kyphoscoliotic type 1 (EDSKSCL1). Also called: EHLERS-DANLOS SYNDROME, TYPE VIA; PLOD1-Related Kyphoscoliotic Ehlers-Danlos Syndrome; Ehlers-Danlos syndrome, hydroxylysine-deficient; EHLERS-DANLOS SYNDROME, OCULAR-SCOLIOTIC TYPE. Identifiers: Orphanet 1900, MedGen C0268342, MONDO:0016002, OMIM 225400. Disease mechanism: loss of function.

Allele frequency attached by ClinVar (database versions not stated): gnomAD exomes below 0.00001 and 0.00001.
gnomAD v4.1: 9 of 1,614,126 alleles (0.00056%); highest among the groups gnomAD compares: Non-Finnish European, 0.00076%; no homozygotes.

Submission:

Labcorp Genetics (formerly Invitae), Labcorp
Classification: Uncertain significance for Ehlers-Danlos syndrome, kyphoscoliotic type 1. Last evaluated: 2017-11-11. Review status: criteria provided, single submitter. Criteria: Invitae Variant Classification Sherloc (09022015). Collection method: clinical testing. Allele origin: germline.
Comment: In summary, the available evidence is currently insufficient to determine the role of this variant in disease. Therefore, it has been classified as a Variant of Uncertain Significance. Algorithms developed to predict the effect of missense changes on protein structure and function do not agree on the potential impact of this missense change (SIFT: "Deleterious"; PolyPhen-2: "Benign"; Align-GVGD: "Class C65"). This variant has not been reported in the literature in individuals with PLOD1-related disease. This variant is not present in population databases (ExAC no frequency). This sequence change replaces isoleucine with asparagine at codon 322 of the PLOD1 protein (p.Ile322Asn). The isoleucine residue is highly conserved and there is a large physicochemical difference between isoleucine and asparagine.